The following is an entry in ClinVar:

NM_000231.3(SGCG):c.230dup (p.Leu78fs)

Gene: SGCG (sarcoglycan gamma; plus strand). Cytogenetic location: 13q12.12.
Variant type: Duplication.
Coding change: c.230dup on transcript NM_000231.3 (MANE Select); coding-DNA position 230, one base duplicated (G; older notation c.230dupG).
Protein change: p.Leu78fs; shifts the reading frame from leucine 78.
Molecular consequence: frameshift variant.
Genome position (GRCh38, 1-based): chr13:23,234,645, G duplicated; the last of 2 consecutive G bases (chr13:23,234,644-23,234,645); duplicating either gives the same sequence. VCF-style (leftmost placement, unchanged base first): chr13-23234643-T-TG. GRCh37 (hg19) VCF-style: chr13-23808782-T-TG.
Other names: c.284dup, p.Leu96fs (NM_001378244.1); c.230dup, p.Leu78fs (NM_001378245.1, NM_001378246.1); c.230dupG (NM_000231.2); short protein forms L78fs, L96fs.
Identifiers: ClinVar variation 597326 (VCV000597326.9), dbSNP rs1432706111, ClinGen allele CA608622827.
Genomic context (GRCh38, chr13:23,234,643, plus strand): 5'-CGCATTGTCTCTTTTTTTTTTTTAACAGGCAGGAATGGGCCACTTGTGTGTAACAAAAGA[T>TG]GGACTGCGCTTGGAAGGGGAATCAGAATTTTTATTCCCATTGTATGCCAAAGAAATACAC-3'

ClinVar aggregate classification (germline): Pathogenic/Likely pathogenic. Review status: criteria provided, multiple submitters, no conflicts (2 of 4 stars). 3 submissions from 3 submitters: Pathogenic (2); Likely pathogenic (1). Last evaluated 2025-07-24.

Conditions:
Autosomal recessive limb-girdle muscular dystrophy type 2C (LGMDR5). Also called: MUSCULAR DYSTROPHY, DUCHENNE-LIKE; MUSCULAR DYSTROPHY, LIMB-GIRDLE, AUTOSOMAL RECESSIVE 5. Identifiers: Orphanet 353, MedGen C0410173, MONDO:0009677, OMIM 253700. Disease mechanism: Affects gamma-sarcoglycan and also disrupts the integrity of the entire sarcoglycan complex..

Submissions (3):

Natera, Inc.
Classification: Likely pathogenic for Limb-girdle muscular dystrophy type 2C. Last evaluated: 2025-07-24. Review status: criteria provided, single submitter. Criteria: Natera Variant Classification Schema (03/2026). Collection method: clinical testing. Allele origin: germline.
Comment: The c.230dupG variant in SGCG is a frameshift variant predicted to shift the reading frame beginning at codon 78 and leads to a stop codon 78 codons downstream. This variant is expected to result in nonsense mediated decay, truncation, or a dysfunctional protein product. This variant is rare in the general population with a frequency below the threshold expected for the associated phenotype(s). Given the available evidence, this variant is classified as Likely Pathogenic.

Labcorp Genetics (formerly Invitae), Labcorp
Classification: Pathogenic for Autosomal recessive limb-girdle muscular dystrophy type 2C. Last evaluated: 2024-08-16. Review status: criteria provided, single submitter. Criteria: Invitae Variant Classification Sherloc (09022015). Collection method: clinical testing. Allele origin: germline.
Comment: This sequence change creates a premature translational stop signal (p.Leu78Thrfs*78) in the SGCG gene. It is expected to result in an absent or disrupted protein product. Loss-of-function variants in SGCG are known to be pathogenic (PMID: 18285821). This variant is present in population databases (no rsID available, gnomAD 0.01%). This variant has not been reported in the literature in individuals affected with SGCG-related conditions. ClinVar contains an entry for this variant (Variation ID: 597326). For these reasons, this variant has been classified as Pathogenic.

Eurofins Ntd Llc (ga)
Classification: Pathogenic. Last evaluated: 2018-05-30. Review status: criteria provided, single submitter. Criteria: EGL ClinVar v180209 classification definitions. Collection method: clinical testing. Allele origin: germline. Observed: 1 variant allele, 1 homozygote.

Literature cited by the submitters: PubMed 18285821 (cited by Labcorp Genetics (formerly Invitae), Labcorp).